The following is an entry in ClinVar:

ClinVar aggregate classification (germline): Conflicting classifications of pathogenicity. Review status: criteria provided, conflicting classifications (1 of 4 stars). 7 submissions from 7 submitters: Uncertain significance (6); Likely benign (1). Last evaluated 2026-05-21.

Conditions:
USH1C-related disorder. Also called: USH1C-related condition.
Usher syndrome type 1C. Also called: USHER SYNDROME, TYPE I, ACADIAN VARIETY. Identifiers: Orphanet 231169, Orphanet 886, MedGen C1848604, MONDO:0010171, OMIM 276904.
Hearing impairment. Also called: Impaired Hearing. Identifiers: MedGen C1384666, MONDO:0005365, HP:0000365.

Allele frequency attached by ClinVar (database versions not stated): ExAC 0.00029; gnomAD exomes 0.00029 and 0.00054; 1000 Genomes Project 30x 0.00031; ESP Exome Variant Server 0.00039; TOPMed 0.00039; 1000 Genomes Project 0.00040; gnomAD 0.00041 and 0.00042.
gnomAD v4.1: 854 of 1,613,896 alleles (0.053%); highest among the groups gnomAD compares: Non-Finnish European, 0.066%; no homozygotes.

Submissions (7):

PreventionGenetics, part of Exact Sciences
Classification: Uncertain significance for USH1C-related condition. Last evaluated: 2026-05-21. Review status: criteria provided, single submitter. Criteria: ACMG Guidelines, 2015. Collection method: clinical testing. Allele origin: germline.
Comment: The USH1C c.1430G>A variant is predicted to result in the amino acid substitution p.Arg477Gln. This variant has been observed in a cohort of patients with Usher syndrome; however, additional information was not provided (Table S3, Le Quesne Stabej et al. 2011. PubMed ID: 22135276). This variant is reported in 0.044% of alleles in individuals of European (Non-Finnish) descent in gnomAD. At this time, the clinical significance of this variant is uncertain due to the absence of conclusive functional and genetic evidence.

Myriad Genetics, Inc.
Classification: Uncertain significance for Usher syndrome type 1C. Last evaluated: 2026-03-19. Review status: criteria provided, single submitter. Criteria: Myriad Autosomal Dominant, Autosomal Recessive and X-Linked Classification Criteria (2023). Collection method: clinical testing. Allele origin: unknown.
Comment: NM_005709.3(USH1C):c.1284+6896G>A is an intronic variant classified as a variant of uncertain significance in the context of USH1C-related disorders. c.1284+6896G>A has been observed in cases with relevant disease (PMID: 22135276, 34753855). Relevant functional assessments of this variant are not available in the literature. c.1284+6896G>A has been observed in referenced population frequency databases. In summary, there is insufficient evidence to classify NM_005709.3(USH1C):c.1284+6896G>A as pathogenic or benign. Please note: this variant was assessed in the context of healthy population screening.

Blueprint Genetics
Classification: Uncertain significance. Last evaluated: 2024-11-08. Review status: criteria provided, single submitter. Criteria: ACMG Guidelines, 2015. Collection method: clinical testing. Allele origin: germline.

Labcorp Genetics (formerly Invitae), Labcorp
Classification: Likely benign. Last evaluated: 2023-05-04. Review status: criteria provided, single submitter. Criteria: Invitae Variant Classification Sherloc (09022015). Collection method: clinical testing. Allele origin: germline.

Department of Otolaryngology – Head & Neck Surgery, Cochlear Implant Center
Classification: Uncertain significance for Hearing impairment. Last evaluated: 2021-04-12. Review status: criteria provided, single submitter. Criteria: ClinGen HL ACMG Specifications v1. Collection method: clinical testing. Allele origin: germline. Affected: yes.
Comment: PM2_Supporting, PP3_Supporting

Laboratory for Molecular Medicine, Mass General Brigham Personalized Medicine
Classification: Uncertain significance. Last evaluated: 2018-04-24. Review status: criteria provided, single submitter. Criteria: LMM Criteria. Collection method: clinical testing. Allele origin: germline. Observed: 3 variant alleles.
Comment: The p.Arg477Gln variant in USH1C has been previously reported by our laboratory in the heterozygous state in two individuals with hearing loss, one of whom har bored two pathogenic variants in another gene. This variant has been identified in 77/277120 of the total chromosomes by the Genome Aggregation Database (gnomAD; dbSNP rs146333270). Although this variant h as been seen in the general population, its frequency is not high enough to rule out a pathogenic role. Computational prediction tools and conservation analysis suggest that the p.Arg477Gln variant may impact the protein, though this inform ation is not predictive enough to determine pathogenicity. In summary, the clini cal significance of the p.Arg477Gln variant is uncertain. ACMG/AMP Criteria appl ied: PM2_Supporting; PP3.

ARUP Laboratories, Molecular Genetics and Genomics, ARUP Laboratories
Classification: Uncertain significance. Last evaluated: 2017-10-03. Review status: criteria provided, single submitter. Criteria: ARUP Molecular Germline Variant Investigation Process. Collection method: clinical testing. Allele origin: germline.
Comment: The p.Arg477Gln variant (rs146333270) has been reported as a â€˜probably neutral variantâ€™ in at least one individual with Usher syndrome; however, inheritance and specific clinical information were not reported (Le Quesne Stabej 2012). The p.Arg477Gln variant is listed in the Genome Aggregation Database (gnomAD) browser with an overall allele frequency of 0.028% (identified in 77 out of 277,120 chromosomes), and is classified as a variant of uncertain significance in ClinVar (Variant ID: 47979). The arginine at codon 477 is moderately conserved considering 12 species (Alamut software v2.10.0), and computational analyses suggest that this variant affects the structure/function of the USH1C protein (SIFT: damaging, PolyPhen2: probably damaging, MutationTaster: disease causing). However, based on the available information, the clinical significance of the p.Arg477Gln variant cannot be determined with certainty.

Literature cited by the submitters: PubMed 22135276 (cited by Myriad Genetics, Inc. and Laboratory for Molecular Medicine, Mass General Brigham Personalized Medicine); PubMed 34753855 (cited by Myriad Genetics, Inc.).

NM_153676.4(USH1C):c.1430G>A (p.Arg477Gln)

Gene: USH1C (USH1 protein network component harmonin; minus strand). Cytogenetic location: 11p15.1.
Variant type: single nucleotide variant.
Coding change: c.1430G>A on transcript NM_153676.4 (MANE Select); coding-DNA position 1430, G replaced by A.
Protein change: p.Arg477Gln; replaces arginine 477 with glutamine.
Molecular consequence: missense variant. On other transcripts: intron variant (2).
Genome position (GRCh38, 1-based): chr11:17,510,505, C>T on the plus strand (G>A on the coding strand, the complement: USH1C is on the minus strand). VCF-style: chr11-17510505-C-T. GRCh37 (hg19) VCF-style: chr11-17532052-C-T.
Other names: c.1227+6896G>A (NM_001297764.2); c.1284+6896G>A (NM_005709.4); short protein forms R477Q.
Identifiers: ClinVar variation 47979 (VCV000047979.29), dbSNP rs146333270, ClinGen allele CA142300.